The following is an entry in ClinVar:

NM_002890.3(RASA1):c.539+70A>G

Gene: RASA1 (RAS p21 protein activator 1; plus strand). Cytogenetic location: 5q14.3.
Variant type: single nucleotide variant.
Coding change: c.539+70A>G on transcript NM_002890.3 (MANE Select); 70 bases into the intron after coding-DNA position 539, A replaced by G.
Molecular consequence: intron variant.
Genome position (GRCh38, 1-based): chr5:87,269,060, A>G. VCF-style: chr5-87269060-A-G. GRCh37 (hg19) VCF-style: chr5-86564877-A-G.
Other names: c.8+5A>G (NM_022650.3).
Identifiers: ClinVar variation 5037509 (VCV005037509.1).
Genomic context (GRCh38, chr5:87,269,060, plus strand): 5'-GACTGCTGTTCAGGAATTTGGGAAGCTGGCTCCAGAAAAGAAGTGGAAATGAAGGGGTAA[A>G]TCATACTTTGTCCTTTTCATCTGTGGTTTGTTAGGAAAAGTTTTTGAAGTTTCAGGTTTC-3'

ClinVar aggregate classification (germline): Uncertain significance (1 of 4 stars; one submission).

Submission:

GeneDx
Classification: Uncertain significance. Last evaluated: 2026-04-21. Review status: criteria provided, single submitter. Criteria: GeneDx Variant Classification Process June 2021. Collection method: clinical testing. Allele origin: germline.
Comment: Not observed at significant frequency in large population cohorts (gnomAD); Has not been previously published as pathogenic or benign to our knowledge; In silico analysis suggests this variant may impact gene splicing. In the absence of RNA/functional studies, the actual effect of this sequence change is unknown.; Reported using an alternate transcript of the gene